The following is an entry in ClinVar:

ClinVar aggregate classification (germline): Uncertain significance (1 of 4 stars; one submission).

Conditions:
Inborn genetic diseases. Identifiers: MedGen C0950123, MeSH D030342.

Submission:

Ambry Genetics
Classification: Uncertain significance for Inborn genetic diseases. Last evaluated: 2025-11-10. Review status: criteria provided, single submitter. Criteria: Ambry Variant Classification Scheme 2023. Collection method: clinical testing. Allele origin: germline.
Comment: The p.H681D variant (also known as c.2041C>G), located in coding exon 16 of the BUB1B gene, results from a C to G substitution at nucleotide position 2041. The histidine at codon 681 is replaced by aspartic acid, an amino acid with similar properties. This amino acid position is conserved. In addition, this alteration is predicted to be tolerated by in silico analysis. Since supporting evidence is limited at this time, the clinical significance of this alteration remains unclear.

NM_001211.6(BUB1B):c.2041C>G (p.His681Asp)

Gene: BUB1B (BUB1 mitotic checkpoint serine/threonine kinase B; plus strand). Cytogenetic location: 15q15.1.
Variant type: single nucleotide variant.
Coding change: c.2041C>G on transcript NM_001211.6 (MANE Select); coding-DNA position 2041, C replaced by G.
Protein change: p.His681Asp; replaces histidine 681 with aspartic acid.
Molecular consequence: missense variant.
Genome position (GRCh38, 1-based): chr15:40,208,668, C>G. VCF-style: chr15-40208668-C-G. GRCh37 (hg19) VCF-style: chr15-40500869-C-G.
Other names: short protein forms H681D.
Identifiers: ClinVar variation 2585912 (VCV002585912.3), dbSNP rs980772864, ClinGen allele CA391693383.